The following is an entry in ClinVar:

ClinVar aggregate classification (germline): Uncertain significance (1 of 4 stars; one submission).

Allele frequency attached by ClinVar (database versions not stated): TOPMed 0.00002; gnomAD exomes 0.00009 and 0.00036; gnomAD 0.00010; ExAC 0.00079; 1000 Genomes Project 0.00160; 1000 Genomes Project 30x 0.00172.
gnomAD v4.1: 128 of 1,418,568 alleles (0.009%); highest among the groups gnomAD compares: South Asian, 0.19%; no homozygotes.

Submission:

Labcorp Genetics (formerly Invitae), Labcorp
Classification: Uncertain significance. Last evaluated: 2025-12-22. Review status: criteria provided, single submitter. Criteria: Invitae Variant Classification Sherloc (09022015). Collection method: clinical testing. Allele origin: germline.
Comment: This sequence change replaces proline, which is neutral and non-polar, with leucine, which is neutral and non-polar, at codon 76 of the ARIH1 protein (p.Pro76Leu). The frequency data for this variant in the population databases is considered unreliable, as metrics indicate poor data quality at this position in the gnomAD database. This variant has not been reported in the literature in individuals affected with ARIH1-related conditions. ClinVar contains an entry for this variant (Variation ID: 1427084). Experimental studies and prediction algorithms are not available or were not evaluated, and the functional significance of this variant is currently unknown. In summary, the available evidence is currently insufficient to determine the role of this variant in disease. Therefore, it has been classified as a Variant of Uncertain Significance.

NM_005744.5(ARIH1):c.227C>T (p.Pro76Leu)

Gene: ARIH1 (ariadne RBR E3 ubiquitin protein ligase 1; plus strand). Cytogenetic location: 15q24.1.
Variant type: single nucleotide variant.
Coding change: c.227C>T on transcript NM_005744.5 (MANE Select); coding-DNA position 227, C replaced by T.
Protein change: p.Pro76Leu; replaces proline 76 with leucine.
Molecular consequence: missense variant.
Genome position (GRCh38, 1-based): chr15:72,474,866, C>T. VCF-style: chr15-72474866-C-T. GRCh37 (hg19) VCF-style: chr15-72767207-C-T.
Other names: short protein forms P76L.
Identifiers: ClinVar variation 1427084 (VCV001427084.8), dbSNP rs559502830, ClinGen allele CA7645442.